The following is an entry in ClinVar:

NM_182914.3(SYNE2):c.20537C>T (p.Pro6846Leu)

Gene: SYNE2 (spectrin repeat containing nuclear envelope protein 2; plus strand). Cytogenetic location: 14q23.2.
Variant type: single nucleotide variant.
Coding change: c.20537C>T on transcript NM_182914.3 (MANE Select); coding-DNA position 20537, C replaced by T.
Protein change: p.Pro6846Leu; replaces proline 6846 with leucine.
Molecular consequence: missense variant.
Genome position (GRCh38, 1-based): chr14:64,225,339, C>T. VCF-style: chr14-64225339-C-T. GRCh37 (hg19) VCF-style: chr14-64692057-C-T.
Other names: c.20471C>T, p.Pro6824Leu (NM_015180.6); c.1103C>T, p.Pro368Leu (NM_182910.2); c.1484C>T, p.Pro495Leu (NM_182913.4); short protein forms P6824L, P368L, P495L, P6846L.
Identifiers: ClinVar variation 930438 (VCV000930438.3), dbSNP rs1323584158, ClinGen allele CA389983526.
Genomic context (GRCh38, chr14:64,225,339, plus strand): 5'-TGGAGCCTCCCAATCAGCTCTCAACCTCCTCTGTTGGCAGGGTCCCCGGCAGCACACGGC[C>T]ACAGCGCTCCTTCCTCTCAAGGGTGGTCCGGGCAGCCCTACCCCTGCAGCTGCTCCTCCT-3'
Protein context (NP_878918.2, residues 6836-6856): TESRVPGSTR[Pro6846Leu]QRSFLSRVVR

ClinVar aggregate classification (germline): Uncertain significance (1 of 4 stars; one submission).

Conditions:
Emery-Dreifuss muscular dystrophy 5, autosomal dominant (EDMD5). Also called: EMERY-DREIFUSS MUSCULAR DYSTROPHY 5. Identifiers: Orphanet 261, MedGen C2751805, MONDO:0013072, OMIM 612999.

Allele frequency attached by ClinVar (database versions not stated): gnomAD 0.00001; TOPMed 0.00001.
gnomAD v4.1: 1 of 1,614,018 alleles (0.000062%); highest among the groups gnomAD compares: African/African-American, 0.0013%; no homozygotes.

Submission:

Centre for Mendelian Genomics, University Medical Centre Ljubljana
Classification: Uncertain significance for Emery-Dreifuss muscular dystrophy 5, autosomal dominant. Last evaluated: 2019-03-09. Review status: criteria provided, single submitter. Criteria: ACMG Guidelines, 2015. Collection method: clinical testing. Allele origin: unknown. Affected: yes.
Comment: This variant was classified as: Uncertain significance. The following ACMG criteria were applied in classifying this variant: PM2,PP3.